The following is an entry in ClinVar:

NM_004463.3(FGD1):c.1563C>T (p.Pro521=)

Gene: FGD1 (FYVE, RhoGEF and PH domain containing 1; minus strand). Cytogenetic location: Xp11.22.
Variant type: single nucleotide variant.
Coding change: c.1563C>T on transcript NM_004463.3 (MANE Select); coding-DNA position 1563, C replaced by T.
Protein change: p.Pro521=; no amino-acid change (proline 521 retained).
Molecular consequence: synonymous variant.
Genome position (GRCh38, 1-based): chrX:54,465,524, G>A on the plus strand (C>T on the coding strand, the complement: FGD1 is on the minus strand). VCF-style: chrX-54465524-G-A. GRCh37 (hg19) VCF-style: chrX-54491957-G-A.
Identifiers: ClinVar variation 95083 (VCV000095083.45), dbSNP rs201996522, ClinGen allele CA222717.

ClinVar aggregate classification (germline): Conflicting classifications of pathogenicity. Review status: criteria provided, conflicting classifications (1 of 4 stars). 6 submissions from 6 submitters: Uncertain significance (1); Benign (1); Likely benign (3). 1 of the submissions does not count toward it. Last evaluated 2026-01-15.

Conditions:
Inborn genetic diseases. Identifiers: MedGen C0950123, MeSH D030342.
FGD1-related disorder. Also called: FGD1-related disorders; FGD1-related condition.

Allele frequency attached by ClinVar (database versions not stated): gnomAD exomes 0.00006 and 0.00028; gnomAD 0.00021; TOPMed 0.00026; ExAC 0.00034; 1000 Genomes Project 30x 0.00042; 1000 Genomes Project 0.00053.
gnomAD v4.1: 135 of 1,207,769 alleles (0.011%); highest among the groups gnomAD compares: East Asian, 0.21%; no homozygotes.

Submissions (6):

Labcorp Genetics (formerly Invitae), Labcorp
Classification: Benign. Last evaluated: 2026-01-15. Review status: criteria provided, single submitter. Criteria: Invitae Variant Classification Sherloc (09022015). Collection method: clinical testing. Allele origin: germline.

CeGaT Center for Human Genetics Tuebingen
Classification: Likely benign. Last evaluated: 2025-10-01. Review status: criteria provided, single submitter. Criteria: CeGaT Center For Human Genetics Tuebingen Variant Classification Criteria Version 2. Collection method: clinical testing. Allele origin: germline. Affected: yes. Observed: 3 variant alleles.
Comment: FGD1: BP4, BP7, BS2

Blueprint Genetics
Classification: Likely benign. Last evaluated: 2024-10-10. Review status: criteria provided, single submitter. Criteria: ACMG Guidelines, 2015. Collection method: clinical testing. Allele origin: germline.

Ambry Genetics
Classification: Likely benign for Inborn genetic diseases. Last evaluated: 2015-12-24. Review status: criteria provided, single submitter. Criteria: Ambry Variant Classification Scheme 2023. Collection method: clinical testing. Allele origin: germline.

Eurofins Ntd Llc (ga)
Classification: Uncertain significance. Last evaluated: 2013-10-16. Review status: criteria provided, single submitter. Criteria: EGL Classification Definitions 2015. Collection method: clinical testing. Allele origin: germline. Observed: 1 variant allele, 1 heterozygote.

PreventionGenetics, part of Exact Sciences
Classification: Likely benign for FGD1-related condition. Last evaluated: 2023-07-11. Review status: no assertion criteria provided. Collection method: clinical testing. Allele origin: germline. Not counted in ClinVar's aggregate classification.
Comment: This variant is classified as likely benign based on ACMG/AMP sequence variant interpretation guidelines (Richards et al. 2015 PMID: 25741868, with internal and published modifications).